The following is an entry in ClinVar:

ClinVar aggregate classification (germline): Benign. Review status: criteria provided, multiple submitters, no conflicts (2 of 4 stars). 3 submissions from 3 submitters: Benign (2). 1 of the submissions does not count toward it. Last evaluated 2026-01-22.

Conditions:
ASRGL1-related disorder. Also called: ASRGL1-related condition.

Allele frequency attached by ClinVar (database versions not stated): 1000 Genomes Project 0.00379; gnomAD 0.00467 and 0.00502; 1000 Genomes Project 30x 0.00500; TOPMed 0.00534; ESP Exome Variant Server 0.00546.

Submissions (3):

Labcorp Genetics (formerly Invitae), Labcorp
Classification: Benign. Last evaluated: 2026-01-22. Review status: criteria provided, single submitter. Criteria: Invitae Variant Classification Sherloc (09022015). Collection method: clinical testing. Allele origin: germline.

Breakthrough Genomics
Classification: Benign. Review status: criteria provided, single submitter. Criteria: ACMG Guidelines, 2015. Collection method: not provided. Allele origin: germline. Inheritance: Unknown mechanism. Affected: yes.

PreventionGenetics, part of Exact Sciences
Classification: Benign for ASRGL1-related condition. Last evaluated: 2024-04-17. Review status: no assertion criteria provided. Collection method: clinical testing. Allele origin: germline. Not counted in ClinVar's aggregate classification.
Comment: This variant is classified as benign based on ACMG/AMP sequence variant interpretation guidelines (Richards et al. 2015 PMID: 25741868, with internal and published modifications).

NM_001083926.2(ASRGL1):c.97G>A (p.Val33Met)

Gene: ASRGL1 (asparaginase and isoaspartyl peptidase 1; plus strand). Cytogenetic location: 11q12.3.
Variant type: single nucleotide variant.
Coding change: c.97G>A on transcript NM_001083926.2 (MANE Select); coding-DNA position 97, G replaced by A.
Protein change: p.Val33Met; replaces valine 33 with methionine.
Molecular consequence: missense variant.
Genome position (GRCh38, 1-based): chr11:62,338,074, G>A. VCF-style: chr11-62338074-G-A. GRCh37 (hg19) VCF-style: chr11-62105546-G-A.
Other names: c.97G>A (NM_025080.3); c.97G>A, p.Val33Met (NM_025080.4); short protein forms V33M.
Identifiers: ClinVar variation 1170709 (VCV001170709.12), dbSNP rs115409110, ClinGen allele CA6043084.